The following is an entry in ClinVar:

NM_144997.7(FLCN):c.1236C>T (p.Ala412=)

Gene: FLCN (folliculin; minus strand). Cytogenetic location: 17p11.2.
Variant type: single nucleotide variant.
Coding change: c.1236C>T on transcript NM_144997.7 (MANE Select); coding-DNA position 1236, C replaced by T.
Protein change: p.Ala412=; no amino-acid change (alanine 412 retained).
Molecular consequence: synonymous variant.
Genome position (GRCh38, 1-based): chr17:17,216,444, G>A on the plus strand (C>T on the coding strand, the complement: FLCN is on the minus strand). VCF-style: chr17-17216444-G-A. GRCh37 (hg19) VCF-style: chr17-17119758-G-A.
Other names: c.1290C>T, p.Ala430= (NM_001353229.2); c.1236C>T, p.Ala412= (NM_001353230.2, NM_001353231.2).
Identifiers: ClinVar variation 1134375 (VCV001134375.10), dbSNP rs769968368, ClinGen allele CA8416090.

ClinVar aggregate classification (germline): Benign/Likely benign. Review status: criteria provided, multiple submitters, no conflicts (2 of 4 stars). 3 submissions from 3 submitters: Benign (1); Likely benign (2). Last evaluated 2024-10-24.

Conditions:
Hereditary cancer-predisposing syndrome. Also called: Neoplastic Syndromes, Hereditary; Hereditary neoplastic syndrome; Tumor predisposition; Hereditary Cancer Syndrome. Identifiers: Orphanet 140162, MedGen C0027672, MeSH D009386, MONDO:0015356.
Birt-Hogg-Dube syndrome. Also called: Birt Hogg Dubé syndrome. Identifiers: Orphanet 122, MedGen C0346010, MONDO:0800444.
Birt-Hogg-Dube syndrome 1 (BHD1). Also called: FIBROFOLLICULOMAS WITH TRICHODISCOMAS AND ACROCHORDONS. Identifiers: Orphanet 122, MedGen CN375946, MONDO:0800445, OMIM 135150.

Allele frequency attached by ClinVar (database versions not stated): gnomAD exomes below 0.00001; ExAC 0.00001.
gnomAD v4.1: 4 of 1,613,894 alleles (0.00025%); highest among the groups gnomAD compares: Non-Finnish European, 0.00025%; no homozygotes.

Submissions (3):

Myriad Genetics, Inc.
Classification: Benign for Birt-Hogg-Dube syndrome 1. Last evaluated: 2024-10-24. Review status: criteria provided, single submitter. Criteria: Myriad Autosomal Dominant, Autosomal Recessive and X-Linked Classification Criteria (2023). Collection method: clinical testing. Allele origin: unknown.
Comment: This variant is considered benign. This variant is a silent/synonymous amino acid change and it is not expected to impact splicing.

Labcorp Genetics (formerly Invitae), Labcorp
Classification: Likely benign for Birt-Hogg-Dube syndrome. Last evaluated: 2024-02-13. Review status: criteria provided, single submitter. Criteria: Invitae Variant Classification Sherloc (09022015). Collection method: clinical testing. Allele origin: germline.

Ambry Genetics
Classification: Likely benign for Hereditary cancer-predisposing syndrome. Last evaluated: 2022-01-15. Review status: criteria provided, single submitter. Criteria: Ambry Variant Classification Scheme 2023. Collection method: clinical testing. Allele origin: germline.